The following is an entry in ClinVar:

ClinVar aggregate classification (germline): Likely pathogenic. Review status: criteria provided, multiple submitters, no conflicts (2 of 4 stars). 3 submissions from 3 submitters: Likely pathogenic (2). 1 of the submissions does not count toward it. Last evaluated 2025-10-16.

Conditions:
Ehlers-Danlos syndrome, type 4 (EDSVASC). Also called: Ehlers-Danlos syndrome vascular type; Ehlers Danlos syndrome, ecchymotic type; Ehlers Danlos syndrome, arterial type; Ehlers Danlos syndrome, Sack-Barabas type; Ehlers-Danlos Syndrome Type IV. Identifiers: Orphanet 286, MedGen C0268338, MONDO:0017314, OMIM 130050.

Submissions (3):

Dasa
Classification: Likely pathogenic. Last evaluated: 2025-10-16. Review status: criteria provided, single submitter. Criteria: DASA Assertion Criteria. Collection method: clinical testing. Allele origin: germline.
Comment: NM_000090.4(COL3A1):c.2607+5G>T is a splice-region variant predicted to affect normal RNA splicing. This variant results in the same amino acid change as a previously established pathogenic variant. Multiple computational predictions support a deleterious effect on the gene or gene product. The variant is present at low frequency in population datasets. Based on the available data, this variant is classified as likely pathogenic.

GeneDx
Classification: Likely pathogenic. Last evaluated: 2025-02-04. Review status: criteria provided, single submitter. Criteria: GeneDx Variant Classification Process June 2021. Collection method: clinical testing. Allele origin: germline. Affected: yes.
Comment: Identified in a patient with vEDS in published literature (PMID: 8477261); Not observed at significant frequency in large population cohorts (gnomAD); Published functional studies demonstrate exon skipping and loss of exon 37 (PMID: 8477261); In silico analysis supports a deleterious effect on splicing; Damages or destroys the splice donor site in intron 37, and is expected to cause abnormal gene splicing; as the splice outcome is exon skip, the loss of the encoded residues in the triple helical region is expected to disrupt normal protein folding and function, and this is an established mechanism of disease (HGMD); This variant is associated with the following publications: (PMID: 10706896, 25525159, 8477261, 9399899)

Collagen Diagnostic Laboratory, University of Washington
Classification: Pathogenic for Ehlers-Danlos syndrome, type 4. Review status: no assertion criteria provided. Collection method: clinical testing. Allele origin: germline. Affected: yes. Not counted in ClinVar's aggregate classification.

Literature cited by the submitters: PubMed 10706896 (cited by Collagen Diagnostic Laboratory, University of Washington); PubMed 9399899 (cited by Collagen Diagnostic Laboratory, University of Washington).

NM_000090.4(COL3A1):c.2607+5G>T

Gene: COL3A1 (collagen type III alpha 1 chain; plus strand). Cytogenetic location: 2q32.2.
Variant type: single nucleotide variant.
Coding change: c.2607+5G>T on transcript NM_000090.4 (MANE Select); 5 bases into the intron after coding-DNA position 2607, G replaced by T.
Molecular consequence: intron variant.
Genome position (GRCh38, 1-based): chr2:189,003,469, G>T. VCF-style: chr2-189003469-G-T. GRCh37 (hg19) VCF-style: chr2-189868195-G-T.
Identifiers: ClinVar variation 101149 (VCV000101149.5), dbSNP rs587779457, ClinGen allele CA005549.